The following is an entry in ClinVar:

NM_015346.4(ZFYVE26):c.6111G>C (p.Arg2037Ser)

Gene: ZFYVE26 (zinc finger FYVE-type containing 26; minus strand). Cytogenetic location: 14q24.1.
Variant type: single nucleotide variant.
Coding change: c.6111G>C on transcript NM_015346.4 (MANE Select); coding-DNA position 6111, G replaced by C.
Protein change: p.Arg2037Ser; replaces arginine 2037 with serine.
Molecular consequence: missense variant.
Genome position (GRCh38, 1-based): chr14:67,762,720, C>G on the plus strand (G>C on the coding strand, the complement: ZFYVE26 is on the minus strand). VCF-style: chr14-67762720-C-G. GRCh37 (hg19) VCF-style: chr14-68229437-C-G.
Other names: short protein forms R2037S.
Identifiers: ClinVar variation 838461 (VCV000838461.8), dbSNP rs775284584, ClinGen allele CA390164856.

ClinVar aggregate classification (germline): Uncertain significance (1 of 4 stars; one submission).

Conditions:
Spastic paraplegia. Identifiers: MedGen C0037772, HP:0001258.

Allele frequency attached by ClinVar (database versions not stated): gnomAD 0.00001; TOPMed 0.00001.

Submission:

Labcorp Genetics (formerly Invitae), Labcorp
Classification: Uncertain significance for Spastic paraplegia. Last evaluated: 2022-02-03. Review status: criteria provided, single submitter. Criteria: Invitae Variant Classification Sherloc (09022015). Collection method: clinical testing. Allele origin: germline.
Comment: This sequence change replaces arginine, which is basic and polar, with serine, which is neutral and polar, at codon 2037 of the ZFYVE26 protein (p.Arg2037Ser). This variant is not present in population databases (gnomAD no frequency). This variant has not been reported in the literature in individuals affected with ZFYVE26-related conditions. ClinVar contains an entry for this variant (Variation ID: 838461). Algorithms developed to predict the effect of missense changes on protein structure and function are either unavailable or do not agree on the potential impact of this missense change (SIFT: "Deleterious"; PolyPhen-2: "Probably Damaging"; Align-GVGD: "Class C0"). In summary, the available evidence is currently insufficient to determine the role of this variant in disease. Therefore, it has been classified as a Variant of Uncertain Significance.